The following is an entry in ClinVar:

NM_001282116.2(RFX3):c.1187C>T (p.Thr396Ile)

Gene: RFX3 (regulatory factor X3; minus strand). Cytogenetic location: 9p24.2.
Variant type: single nucleotide variant.
Coding change: c.1187C>T on transcript NM_001282116.2 (MANE Select); coding-DNA position 1187, C replaced by T.
Protein change: p.Thr396Ile; replaces threonine 396 with isoleucine.
Molecular consequence: missense variant.
Genome position (GRCh38, 1-based): chr9:3,271,018, G>A on the plus strand (C>T on the coding strand, the complement: RFX3 is on the minus strand). VCF-style: chr9-3271018-G-A. GRCh37 (hg19) VCF-style: chr9-3271018-G-A.
Other names: c.1187C>T, p.Thr396Ile (NM_001282117.2, NM_001377999.1, NM_002919.4 and 1 more transcripts); short protein forms T396I.
Identifiers: ClinVar variation 788672 (VCV000788672.14), dbSNP rs41314211, ClinGen allele CA4967203.

ClinVar aggregate classification (germline): Benign. Review status: criteria provided, multiple submitters, no conflicts (2 of 4 stars). 4 submissions from 4 submitters: Benign (3). 1 of the submissions does not count toward it. Last evaluated 2026-09-01.

Conditions:
RFX3-related disorder. Also called: RFX3-related condition.

Allele frequency attached by ClinVar (database versions not stated): 1000 Genomes Project 0.00319; 1000 Genomes Project 30x 0.00344; ExAC 0.00634; TOPMed 0.00663; gnomAD 0.00668 and 0.00684; gnomAD exomes 0.00669 and 0.00833; ESP Exome Variant Server 0.00692.
gnomAD v4.1: 13,228 of 1,613,560 alleles (0.82%); highest among the groups gnomAD compares: Non-Finnish European, 0.94%; 81 homozygotes.

Submissions (4):

CeGaT Center for Human Genetics Tuebingen
Classification: Benign. Last evaluated: 2026-09-01. Review status: criteria provided, single submitter. Criteria: CeGaT Center For Human Genetics Tuebingen Variant Classification Criteria Version 2. Collection method: clinical testing. Allele origin: germline. Affected: yes. Observed: 22 variant alleles.
Comment: RFX3: PP2, BS1, BS2

Labcorp Genetics (formerly Invitae), Labcorp
Classification: Benign. Last evaluated: 2019-12-31. Review status: criteria provided, single submitter. Criteria: Invitae Variant Classification Sherloc (09022015). Collection method: clinical testing. Allele origin: germline.

Breakthrough Genomics
Classification: Benign. Review status: criteria provided, single submitter. Criteria: ACMG Guidelines, 2015. Collection method: not provided. Allele origin: germline. Inheritance: Unknown mechanism. Affected: yes.

PreventionGenetics, part of Exact Sciences
Classification: Benign for RFX3-related condition. Last evaluated: 2019-04-05. Review status: no assertion criteria provided. Collection method: clinical testing. Allele origin: germline. Not counted in ClinVar's aggregate classification.
Comment: This variant is classified as benign based on ACMG/AMP sequence variant interpretation guidelines (Richards et al. 2015 PMID: 25741868, with internal and published modifications).